The following is an entry in ClinVar:

ClinVar aggregate classification (germline): Uncertain significance (1 of 4 stars; one submission).

Conditions:
Inborn genetic diseases. Identifiers: MedGen C0950123, MeSH D030342.

gnomAD v4.1: 2 of 1,551,264 alleles (0.00013%); highest among the groups gnomAD compares: Admixed American, 0.0039%; no homozygotes.

Submission:

Ambry Genetics
Classification: Uncertain significance for Inborn genetic diseases. Last evaluated: 2025-09-06. Review status: criteria provided, single submitter. Criteria: Ambry Variant Classification Scheme 2023. Collection method: clinical testing. Allele origin: germline.
Comment: The p.G1316R variant (also known as c.3946G>C), located in coding exon 40 of the FANCA gene, results from a G to C substitution at nucleotide position 3946. The glycine at codon 1316 is replaced by arginine, an amino acid with dissimilar properties. This amino acid position is conserved. In addition, the in silico prediction for this alteration is inconclusive. Based on the available evidence, the clinical significance of this variant remains unclear.

NM_000135.4(FANCA):c.3946G>C (p.Gly1316Arg)

Genes: ZNF276 (zinc finger protein 276; plus strand), FANCA (FA complementation group A; minus strand). Cytogenetic location: 16q24.3.
Variant type: single nucleotide variant.
Coding change: c.3946G>C on transcript NM_000135.4 (MANE Select); coding-DNA position 3946, G replaced by C.
Protein change: p.Gly1316Arg; replaces glycine 1316 with arginine.
Molecular consequence: missense variant. On other transcripts: 3 prime UTR variant (2), non-coding transcript variant (4).
Genome position (GRCh38, 1-based): chr16:89,739,542, C>G on the plus strand (G>C on the coding strand, the complement: FANCA is on the minus strand). VCF-style: chr16-89739542-C-G. GRCh37 (hg19) VCF-style: chr16-89805950-C-G.
Other names: c.3946G>C, p.Gly1316Arg (NM_001286167.3); c.*1296C>G (NM_001113525.2, NM_152287.4); short protein forms G1316R.
Identifiers: ClinVar variation 4254332 (VCV004254332.1).
Genomic context (GRCh38, chr16:89,739,542, plus strand): 5'-AAAAAGCGAAAGGCAGCAGCCTGGTGTGCTGATCCGGGGCCACACGGAGGAGGAGCCGCC[C>G]CAGCCTGAGGTCTGCAACACCAAGAAGTGGCTCAGGCAACTCTGGACATCTCTGCCTATT-3'
Protein context (NP_000126.2, residues 1306-1326): FQLTESDLRL[Gly1316Arg]RLLLRVAPDQ